The following is an entry in ClinVar:

NM_020987.5(ANK3):c.2011G>T (p.Ala671Ser)

Gene: ANK3 (ankyrin 3; minus strand). Cytogenetic location: 10q21.2.
Variant type: single nucleotide variant.
Coding change: c.2011G>T on transcript NM_020987.5 (MANE Select); coding-DNA position 2011, G replaced by T.
Protein change: p.Ala671Ser; replaces alanine 671 with serine.
Molecular consequence: missense variant.
Genome position (GRCh38, 1-based): chr10:60,186,789, C>A on the plus strand (G>T on the coding strand, the complement: ANK3 is on the minus strand). VCF-style: chr10-60186789-C-A. GRCh37 (hg19) VCF-style: chr10-61946547-C-A.
Other names: c.1993G>T, p.Ala665Ser (NM_001204403.2); c.1960G>T, p.Ala654Ser (NM_001204404.2); c.2011G>T, p.Ala671Ser (NM_001320874.2); short protein forms A665S, A654S, A671S.
Identifiers: ClinVar variation 1998338 (VCV001998338.4), dbSNP rs758299609, ClinGen allele CA5512966.

ClinVar aggregate classification (germline): Uncertain significance (1 of 4 stars; one submission).

gnomAD v4.1: 6 of 1,614,134 alleles (0.00037%); highest among the groups gnomAD compares: Non-Finnish European, 0.00051%; no homozygotes.

Submission:

Labcorp Genetics (formerly Invitae), Labcorp
Classification: Uncertain significance. Last evaluated: 2022-07-12. Review status: criteria provided, single submitter. Criteria: Invitae Variant Classification Sherloc (09022015). Collection method: clinical testing. Allele origin: germline.
Comment: In summary, the available evidence is currently insufficient to determine the role of this variant in disease. Therefore, it has been classified as a Variant of Uncertain Significance. Algorithms developed to predict the effect of missense changes on protein structure and function are either unavailable or do not agree on the potential impact of this missense change (SIFT: "Not Available"; PolyPhen-2: "Probably Damaging"; Align-GVGD: "Not Available"). This variant has not been reported in the literature in individuals affected with ANK3-related conditions. This variant is present in population databases (rs758299609, gnomAD 0.0009%). This sequence change replaces alanine, which is neutral and non-polar, with serine, which is neutral and polar, at codon 671 of the ANK3 protein (p.Ala671Ser).